The following is an entry in ClinVar:

NM_032436.4(CHAMP1):c.2282G>A (p.Gly761Glu)

Gene: CHAMP1 (chromosome alignment maintaining phosphoprotein 1; plus strand). Cytogenetic location: 13q34.
Variant type: single nucleotide variant.
Coding change: c.2282G>A on transcript NM_032436.4 (MANE Select); coding-DNA position 2282, G replaced by A.
Protein change: p.Gly761Glu; replaces glycine 761 with glutamic acid.
Molecular consequence: missense variant.
Genome position (GRCh38, 1-based): chr13:114,326,124, G>A. VCF-style: chr13-114326124-G-A. GRCh37 (hg19) VCF-style: chr13-115091599-G-A.
Other names: c.2282G>A, p.Gly761Glu (NM_001164144.3, NM_001164145.3); short protein forms G761E.
Identifiers: ClinVar variation 3903067 (VCV003903067.1).
Genomic context (GRCh38, chr13:114,326,124, plus strand): 5'-CAATCTGTGGAAAGGCTTTTCTTTTGGAATCTCTCCTTAAAAATCATGTAGCAGCCCATG[G>A]GCAAAGTTTACTTAAATGTCCACGTTGTAATTTTGAATCAAATTTCCCAAGAGGTTTTAA-3'
Protein context (NP_115812.1, residues 751-771): SLLKNHVAAH[Gly761Glu]QSLLKCPRCN

ClinVar aggregate classification (germline): Uncertain significance (1 of 4 stars; one submission).

gnomAD v4.1: 1 of 1,613,400 alleles (0.000062%); highest among the groups gnomAD compares: African/African-American, 0.0013%; no homozygotes.

Submission:

GeneDx
Classification: Uncertain significance. Last evaluated: 2024-12-11. Review status: criteria provided, single submitter. Criteria: GeneDx Variant Classification Process June 2021. Collection method: clinical testing. Allele origin: germline. Affected: yes.
Comment: Not observed at significant frequency in large population cohorts (gnomAD); In silico analysis indicates that this missense variant does not alter protein structure/function; Has not been previously published as pathogenic or benign to our knowledge